The following is an entry in ClinVar:

NM_138477.4(CDAN1):c.3639T>C (p.Cys1213=)

Gene: CDAN1 (codanin 1; minus strand). Cytogenetic location: 15q15.2.
Variant type: single nucleotide variant.
Coding change: c.3639T>C on transcript NM_138477.4 (MANE Select); coding-DNA position 3639, T replaced by C.
Protein change: p.Cys1213=; no amino-acid change (cysteine 1213 retained).
Molecular consequence: synonymous variant.
Genome position (GRCh38, 1-based): chr15:42,724,536, A>G on the plus strand (T>C on the coding strand, the complement: CDAN1 is on the minus strand). VCF-style: chr15-42724536-A-G. GRCh37 (hg19) VCF-style: chr15-43016734-A-G.
Other names: c.3639T>C (NM_138477.2).
Identifiers: ClinVar variation 1879293 (VCV001879293.30), dbSNP rs1384797283, ClinGen allele CA489893805.

ClinVar aggregate classification (germline): Conflicting classifications of pathogenicity. Review status: criteria provided, conflicting classifications (1 of 4 stars). 2 submissions from 2 submitters: Uncertain significance (1); Likely benign (1). Last evaluated 2023-04-06.

Allele frequency attached by ClinVar (database versions not stated): gnomAD 0.00001; TOPMed 0.00001.
gnomAD v4.1: 11 of 1,566,124 alleles (0.0007%); highest among the groups gnomAD compares: Admixed American, 0.0019%; no homozygotes.

Submissions (2):

GeneDx
Classification: Uncertain significance. Last evaluated: 2023-04-06. Review status: criteria provided, single submitter. Criteria: GeneDx Variant Classification Process June 2021. Collection method: clinical testing. Allele origin: germline. Affected: yes.
Comment: Has not been previously published as pathogenic or benign to our knowledge; Not observed at significant frequency in large population cohorts (gnomAD); In silico analysis supports that this variant does not alter splicing

CeGaT Center for Human Genetics Tuebingen
Classification: Likely benign. Last evaluated: 2022-11-01. Review status: criteria provided, single submitter. Criteria: CeGaT Center For Human Genetics Tuebingen Variant Classification Criteria Version 2. Collection method: clinical testing. Allele origin: germline. Affected: yes. Observed: 1 variant allele.
Comment: CDAN1: BP4